The following is an entry in ClinVar:

ClinVar aggregate classification (germline): Uncertain significance (1 of 4 stars; one submission).

Conditions:
Epileptic encephalopathy. Identifiers: MedGen C0543888, HP:0200134.

Allele frequency attached by ClinVar (database versions not stated): ExAC 0.00001; gnomAD 0.00001; gnomAD exomes 0.00001.
gnomAD v4.1: 15 of 1,612,876 alleles (0.00093%); highest among the groups gnomAD compares: Middle Eastern, 0.016%; no homozygotes.

Submission:

Labcorp Genetics (formerly Invitae), Labcorp
Classification: Uncertain significance for Epileptic encephalopathy. Last evaluated: 2022-07-06. Review status: criteria provided, single submitter. Criteria: Invitae Variant Classification Sherloc (09022015). Collection method: clinical testing. Allele origin: germline.
Comment: This sequence change replaces threonine, which is neutral and polar, with methionine, which is neutral and non-polar, at codon 74 of the FASN protein (p.Thr74Met). This variant is present in population databases (rs774371652, gnomAD 0.01%). This variant has not been reported in the literature in individuals affected with FASN-related conditions. ClinVar contains an entry for this variant (Variation ID: 566082). Algorithms developed to predict the effect of missense changes on protein structure and function are either unavailable or do not agree on the potential impact of this missense change (SIFT: "Deleterious"; PolyPhen-2: "Probably Damaging"; Align-GVGD: "Class C0"). In summary, the available evidence is currently insufficient to determine the role of this variant in disease. Therefore, it has been classified as a Variant of Uncertain Significance.

NM_004104.5(FASN):c.221C>T (p.Thr74Met)

Gene: FASN (fatty acid synthase; minus strand). Cytogenetic location: 17q25.3.
Variant type: single nucleotide variant.
Coding change: c.221C>T on transcript NM_004104.5 (MANE Select); coding-DNA position 221, C replaced by T.
Protein change: p.Thr74Met; replaces threonine 74 with methionine.
Molecular consequence: missense variant.
Genome position (GRCh38, 1-based): chr17:82,095,379, G>A on the plus strand (C>T on the coding strand, the complement: FASN is on the minus strand). VCF-style: chr17-82095379-G-A. GRCh37 (hg19) VCF-style: chr17-80053255-G-A.
Other names: short protein forms T74M.
Identifiers: ClinVar variation 566082 (VCV000566082.9), dbSNP rs774371652, ClinGen allele CA8853624.